The following is an entry in ClinVar:

ClinVar aggregate classification (germline): Uncertain significance. Review status: criteria provided, multiple submitters, no conflicts (2 of 4 stars). 2 submissions from 2 submitters: Uncertain significance (2). Last evaluated 2025-03-10.

Conditions:
Inborn genetic diseases. Identifiers: MedGen C0950123, MeSH D030342.

Allele frequency attached by ClinVar (database versions not stated): gnomAD exomes below 0.00001; gnomAD 0.00001; TOPMed 0.00001.
gnomAD v4.1: 3 of 1,169,049 alleles (0.00026%); highest among the groups gnomAD compares: Admixed American, 0.0023%; no homozygotes.

Submissions (2):

Ambry Genetics
Classification: Uncertain significance for Inborn genetic diseases. Last evaluated: 2025-03-10. Review status: criteria provided, single submitter. Criteria: Ambry Variant Classification Scheme 2023. Collection method: clinical testing. Allele origin: germline.

GeneDx
Classification: Uncertain significance. Last evaluated: 2023-11-07. Review status: criteria provided, single submitter. Criteria: GeneDx Variant Classification Process June 2021. Collection method: clinical testing. Allele origin: germline. Affected: yes.
Comment: Not observed at significant frequency in large population cohorts (gnomAD); In silico analysis supports that this missense variant has a deleterious effect on protein structure/function; Has not been previously published as pathogenic or benign to our knowledge

NM_014927.5(CNKSR2):c.436C>G (p.Pro146Ala)

Gene: CNKSR2 (connector enhancer of kinase suppressor of Ras 2; plus strand). Cytogenetic location: Xp22.12.
Variant type: single nucleotide variant.
Coding change: c.436C>G on transcript NM_014927.5 (MANE Select); coding-DNA position 436, C replaced by G.
Protein change: p.Pro146Ala; replaces proline 146 with alanine.
Molecular consequence: missense variant.
Genome position (GRCh38, 1-based): chrX:21,440,698, C>G. VCF-style: chrX-21440698-C-G. GRCh37 (hg19) VCF-style: chrX-21458816-C-G.
Other names: c.436C>G, p.Pro146Ala (NM_001168647.3, NM_001168648.3, NM_001168649.3 and 4 more transcripts); short protein forms P146A.
Identifiers: ClinVar variation 2662034 (VCV002662034.2), dbSNP rs2090771770, ClinGen allele CA412549984.
Genomic context (GRCh38, chrX:21,440,698, plus strand): 5'-TTGGGACTTTTCAAAAGCTGTTACTAGTAATCACAATTTTCCTTTTCCCTTTATAGGTCA[C>G]CATTTGCTGCTGTGACAGACTATTCAGTTACAAGAAATAATGTCATACAACTCTGCCTGG-3'
Protein context (NP_055742.2, residues 136-156): KSLLAWLDRS[Pro146Ala]FAAVTDYSVT